The following is an entry in ClinVar:

NM_005529.7(HSPG2):c.9924T>C (p.Ala3308=)

Gene: HSPG2 (heparan sulfate proteoglycan 2; minus strand). Cytogenetic location: 1p36.12.
Variant type: single nucleotide variant.
Coding change: c.9924T>C on transcript NM_005529.7 (MANE Select); coding-DNA position 9924, T replaced by C.
Protein change: p.Ala3308=; no amino-acid change (alanine 3308 retained).
Molecular consequence: synonymous variant.
Genome position (GRCh38, 1-based): chr1:21,839,051, A>G on the plus strand (T>C on the coding strand, the complement: HSPG2 is on the minus strand). VCF-style: chr1-21839051-A-G. GRCh37 (hg19) VCF-style: chr1-22165544-A-G.
Other names: c.9927T>C, p.Ala3309= (NM_001291860.2).
Identifiers: ClinVar variation 1161749 (VCV001161749.32), dbSNP rs1480039869, ClinGen allele CA416679176.

ClinVar aggregate classification (germline): Likely benign. Review status: criteria provided, multiple submitters, no conflicts (2 of 4 stars). 2 submissions from 2 submitters: Likely benign (2). Last evaluated 2024-10-08.

Allele frequency attached by ClinVar (database versions not stated): gnomAD exomes below 0.00001 and 0.00001; gnomAD 0.00001; TOPMed 0.00001.
gnomAD v4.1: 12 of 1,594,710 alleles (0.00075%); highest among the groups gnomAD compares: South Asian, 0.0022%; no homozygotes.

Submissions (2):

Labcorp Genetics (formerly Invitae), Labcorp
Classification: Likely benign. Last evaluated: 2024-10-08. Review status: criteria provided, single submitter. Criteria: Invitae Variant Classification Sherloc (09022015). Collection method: clinical testing. Allele origin: germline.

CeGaT Center for Human Genetics Tuebingen
Classification: Likely benign. Last evaluated: 2023-01-01. Review status: criteria provided, single submitter. Criteria: CeGaT Center For Human Genetics Tuebingen Variant Classification Criteria Version 2. Collection method: clinical testing. Allele origin: germline. Affected: yes. Observed: 1 variant allele.
Comment: HSPG2: BP4, BP7